The following is an entry in ClinVar:

ClinVar aggregate classification (germline): Likely benign (0 of 4 stars; one submission).

Conditions:
PLXNA1-related disorder. Also called: PLXNA1-related condition.

gnomAD v4.1: 19 of 1,610,140 alleles (0.0012%); highest among the groups gnomAD compares: Middle Eastern, 0.016%; no homozygotes.

Submission:

PreventionGenetics, part of Exact Sciences
Classification: Likely benign for PLXNA1-related condition. Last evaluated: 2019-02-22. Review status: no assertion criteria provided. Collection method: clinical testing. Allele origin: germline.
Comment: This variant is classified as likely benign based on ACMG/AMP sequence variant interpretation guidelines (Richards et al. 2015 PMID: 25741868, with internal and published modifications).

NM_032242.4(PLXNA1):c.3873C>T (p.Arg1291=)

Gene: PLXNA1 (plexin A1; plus strand). Cytogenetic location: 3q21.3.
Variant type: single nucleotide variant.
Coding change: c.3873C>T on transcript NM_032242.4 (MANE Select); coding-DNA position 3873, C replaced by T.
Protein change: p.Arg1291=; no amino-acid change (arginine 1291 retained).
Molecular consequence: synonymous variant.
Genome position (GRCh38, 1-based): chr3:127,018,506, C>T. VCF-style: chr3-127018506-C-T. GRCh37 (hg19) VCF-style: chr3-126737349-C-T.
Identifiers: ClinVar variation 3353529 (VCV003353529.1).
Genomic context (GRCh38, chr3:127,018,506, plus strand): 5'-ACGAGATGCTGACCGCACACTCAAGCGGCTGCAGCTCCAGATGGACAACCTGGAGTCCCG[C>T]GTGGCCCTCGAATGCAAGGAAGGTCTGTTGGGGCCAGGGCTCACTGGGGCAACTGCCACC-3'
Protein context (NP_115618.3, residues 1281-1301): LQLQMDNLES[Arg1291=]VALECKEAFA